The following is an entry in ClinVar:

ClinVar aggregate classification (germline): Uncertain significance (1 of 4 stars; one submission).

Conditions:
Emery-Dreifuss muscular dystrophy 5, autosomal dominant (EDMD5). Also called: EMERY-DREIFUSS MUSCULAR DYSTROPHY 5. Identifiers: Orphanet 261, MedGen C2751805, MONDO:0013072, OMIM 612999.

Submission:

Labcorp Genetics (formerly Invitae), Labcorp
Classification: Uncertain significance for Emery-Dreifuss muscular dystrophy 5, autosomal dominant. Last evaluated: 2025-07-25. Review status: criteria provided, single submitter. Criteria: Invitae Variant Classification Sherloc (09022015). Collection method: clinical testing. Allele origin: germline.
Comment: This sequence change replaces histidine, which is basic and polar, with tyrosine, which is neutral and polar, at codon 5437 of the SYNE2 protein (p.His5437Tyr). This variant is not present in population databases (gnomAD no frequency). This variant has not been reported in the literature in individuals affected with SYNE2-related conditions. An algorithm developed to predict the effect of missense changes on protein structure and function (PolyPhen-2) suggests that this variant is likely to be tolerated. In summary, the available evidence is currently insufficient to determine the role of this variant in disease. Therefore, it has been classified as a Variant of Uncertain Significance.

NM_182914.3(SYNE2):c.16309C>T (p.His5437Tyr)

Gene: SYNE2 (spectrin repeat containing nuclear envelope protein 2; plus strand). Cytogenetic location: 14q23.2.
Variant type: single nucleotide variant.
Coding change: c.16309C>T on transcript NM_182914.3 (MANE Select); coding-DNA position 16309, C replaced by T.
Protein change: p.His5437Tyr; replaces histidine 5437 with tyrosine.
Molecular consequence: missense variant.
Genome position (GRCh38, 1-based): chr14:64,163,411, C>T. VCF-style: chr14-64163411-C-T. GRCh37 (hg19) VCF-style: chr14-64630129-C-T.
Other names: c.16309C>T, p.His5437Tyr (NM_015180.6); short protein forms H5437Y.
Identifiers: ClinVar variation 4724000 (VCV004724000.1).